The following is an entry in ClinVar:

NM_001366385.1(CARD14):c.658C>T (p.Arg220Cys)

Gene: CARD14 (caspase recruitment domain family member 14; plus strand). Cytogenetic location: 17q25.3.
Variant type: single nucleotide variant.
Coding change: c.658C>T on transcript NM_001366385.1 (MANE Select); coding-DNA position 658, C replaced by T.
Protein change: p.Arg220Cys; replaces arginine 220 with cysteine.
Molecular consequence: missense variant. On other transcripts: non-coding transcript variant (1).
Genome position (GRCh38, 1-based): chr17:80,184,221, C>T. VCF-style: chr17-80184221-C-T. GRCh37 (hg19) VCF-style: chr17-78158020-C-T.
Other names: c.658C>T (NM_024110.3); c.658C>T, p.Arg220Cys (NM_001257970.1, NM_024110.4); short protein forms R220C.
Identifiers: ClinVar variation 3752381 (VCV003752381.4).

ClinVar aggregate classification (germline): Uncertain significance. Review status: criteria provided, multiple submitters, no conflicts (2 of 4 stars). 3 submissions from 3 submitters: Uncertain significance (3). Last evaluated 2025-11-02.

Conditions:
Inborn genetic diseases. Identifiers: MedGen C0950123, MeSH D030342.
Pityriasis rubra pilaris (PRP). Also called: Pityriasis rubra pilaris--familial type. Identifiers: Orphanet 2897, MedGen C0032027, MONDO:0100017, OMIM 173200, MONDO:0008251.
Psoriasis 2. Identifiers: MedGen C1864497, MONDO:0011269, OMIM 602723.

gnomAD v4.1: 21 of 1,535,130 alleles (0.0014%); highest among the groups gnomAD compares: African/African-American, 0.0027%; no homozygotes.

Submissions (3):

Ambry Genetics
Classification: Uncertain significance for Inborn genetic diseases. Last evaluated: 2025-11-02. Review status: criteria provided, single submitter. Criteria: Ambry Variant Classification Scheme 2023. Collection method: clinical testing. Allele origin: germline.

Labcorp Genetics (formerly Invitae), Labcorp
Classification: Uncertain significance for Pityriasis rubra pilaris; Psoriasis 2. Last evaluated: 2025-05-05. Review status: criteria provided, single submitter. Criteria: Invitae Variant Classification Sherloc (09022015). Collection method: clinical testing. Allele origin: germline.
Comment: This sequence change replaces arginine, which is basic and polar, with cysteine, which is neutral and slightly polar, at codon 220 of the CARD14 protein (p.Arg220Cys). This variant is not present in population databases (gnomAD no frequency). This variant has not been reported in the literature in individuals affected with CARD14-related conditions. ClinVar contains an entry for this variant (Variation ID: 3752381). Invitae Evidence Modeling of protein sequence and biophysical properties (such as structural, functional, and spatial information, amino acid conservation, physicochemical variation, residue mobility, and thermodynamic stability) has been performed for this missense variant. However, the output from this modeling did not meet the statistical confidence thresholds required to predict the impact of this variant on CARD14 protein function. In summary, the available evidence is currently insufficient to determine the role of this variant in disease. Therefore, it has been classified as a Variant of Uncertain Significance.

Blueprint Genetics
Classification: Uncertain significance. Last evaluated: 2023-06-01. Review status: criteria provided, single submitter. Criteria: ACMG Guidelines, 2015. Collection method: clinical testing. Allele origin: germline.